The following is an entry in ClinVar:

NM_001042492.3(NF1):c.5521C>T (p.Gln1841Ter)

Gene: NF1 (neurofibromin 1; plus strand). Cytogenetic location: 17q11.2.
Variant type: single nucleotide variant.
Coding change: c.5521C>T on transcript NM_001042492.3 (MANE Select); coding-DNA position 5521, C replaced by T.
Protein change: p.Gln1841Ter; replaces glutamine 1841 with a stop codon.
Molecular consequence: nonsense.
Genome position (GRCh38, 1-based): chr17:31,327,751, C>T. VCF-style: chr17-31327751-C-T. GRCh37 (hg19) VCF-style: chr17-29654769-C-T.
Other names: c.5458C>T, p.Gln1820Ter (NM_000267.4); short protein forms Q1841*, Q1820*.
Identifiers: ClinVar variation 220317 (VCV000220317.18), dbSNP rs786203570, ClinGen allele CA350231.

ClinVar aggregate classification (germline): Pathogenic. Review status: criteria provided, multiple submitters, no conflicts (2 of 4 stars). 7 submissions from 7 submitters: Pathogenic (6). 1 of the submissions does not count toward it. Last evaluated 2024-04-02.

Conditions:
Neurofibromatosis, type 1 (NF1). Also called: Neurofibromatosis, type I; Peripheral type neurofibromatosis; NEUROFIBROMATOSIS, TYPE I, SOMATIC; VON RECKLINGHAUSEN DISEASE. Identifiers: Orphanet 636, MedGen C0027831, MONDO:0018975, OMIM 162200. Disease mechanism: loss of function.
Cardiovascular phenotype. Identifiers: MedGen CN230736.
Hereditary cancer-predisposing syndrome. Also called: Tumor predisposition; Neoplastic Syndromes, Hereditary; Hereditary Cancer Syndrome; Hereditary neoplastic syndrome. Identifiers: Orphanet 140162, MedGen C0027672, MeSH D009386, MONDO:0015356.
NF1-related disorder. Also called: NF1-related condition. Identifiers: MedGen CN379171.

Submissions (7):

GeneDx
Classification: Pathogenic. Last evaluated: 2024-04-02. Review status: criteria provided, single submitter. Criteria: GeneDx Variant Classification Process June 2021. Collection method: clinical testing. Allele origin: germline. Affected: yes.
Comment: Nonsense variant predicted to result in protein truncation or nonsense mediated decay in a gene for which loss-of-function is a known mechanism of disease; Not observed at significant frequency in large population cohorts (gnomAD); Also known as c.5458C>T; p.Gln1828X; This variant is associated with the following publications: (PMID: 23404336, 10712197, 25525159, 10090487, 23913538, 22190595, 31573083)

Labcorp Genetics (formerly Invitae), Labcorp
Classification: Pathogenic for Neurofibromatosis, type 1. Last evaluated: 2023-05-11. Review status: criteria provided, single submitter. Criteria: Invitae Variant Classification Sherloc (09022015). Collection method: clinical testing. Allele origin: germline.
Comment: This variant is not present in population databases (gnomAD no frequency). For these reasons, this variant has been classified as Pathogenic. ClinVar contains an entry for this variant (Variation ID: 220317). This premature translational stop signal has been observed in individual(s) with neurofibromatosis 1 (PMID: 10090487). This sequence change creates a premature translational stop signal (p.Gln1820*) in the NF1 gene. It is expected to result in an absent or disrupted protein product. Loss-of-function variants in NF1 are known to be pathogenic (PMID: 10712197, 23913538).

Blueprint Genetics
Classification: Pathogenic for NF1-related disorders. Last evaluated: 2022-06-17. Review status: criteria provided, single submitter. Criteria: ACMG Guidelines, 2015. Collection method: clinical testing. Allele origin: germline. Affected: yes. Observed: 1 variant allele.

Genome-Nilou Lab
Classification: Pathogenic for Neurofibromatosis, type 1. Last evaluated: 2022-03-15. Review status: criteria provided, single submitter. Criteria: ACMG Guidelines, 2015. Collection method: clinical testing. Allele origin: germline. Affected: no.

Ambry Genetics
Classification: Pathogenic for Cardiovascular phenotype; Hereditary cancer-predisposing syndrome. Last evaluated: 2021-05-20. Review status: criteria provided, single submitter. Criteria: Ambry Variant Classification Scheme 2023. Collection method: clinical testing. Allele origin: germline.
Comment: The p.Q1820* pathogenic mutation (also known as c.5458C>T), located in coding exon 37 of the NF1 gene, results from a C to T substitution at nucleotide position 5458. This changes the amino acid from a glutamine to a stop codon within coding exon 37. This alteration has been reported in individuals meeting diagnostic criteria for neurofibromatosis type 1 (NF1) or with NF1 features (Peters H et al. Hum. Mutat., 1999;13:258; Ribeiro MJ et al. Invest Ophthalmol Vis Sci, 2012 Jan;53:287-93; Violante IR et al. Brain, 2013 Mar;136:918-25; Castellanos E et al. Clin Genet, 2020 02;97:264-275). In addition to the clinical data presented in the literature, this alteration is expected to result in loss of function by premature protein truncation or nonsense-mediated mRNA decay. As such, this alteration is interpreted as a disease-causing mutation.

Genome Diagnostics Laboratory, The Hospital for Sick Children
Classification: Pathogenic for Neurofibromatosis, type 1. Last evaluated: 2020-10-26. Review status: criteria provided, single submitter. Criteria: ACMG Guidelines, 2015. Collection method: clinical testing. Allele origin: germline. Affected: yes.

Zotz-Klimas Genetics Lab, MVZ Zotz Klimas
Classification: Likely pathogenic for Neurofibromatosis, type 1. Last evaluated: 2023-11-02. Review status: no assertion criteria provided. Collection method: clinical testing. Allele origin: germline. Affected: yes. Not counted in ClinVar's aggregate classification.

Literature cited by the submitters: PubMed 10090487 (cited by Labcorp Genetics (formerly Invitae), Labcorp); PubMed 10712197 (cited by Labcorp Genetics (formerly Invitae), Labcorp); PubMed 23913538 (cited by Labcorp Genetics (formerly Invitae), Labcorp).